The following is an entry in ClinVar:

ClinVar aggregate classification (germline): Pathogenic (1 of 4 stars; one submission).

Submission:

Dasa
Classification: Pathogenic. Last evaluated: 2025-01-28. Review status: criteria provided, single submitter. Criteria: DASA Assertion Criteria. Collection method: clinical testing. Allele origin: germline.
Comment: NM_004628.5(XPC):c.2275del (p.Val759Cysfs*8) introduces a premature termination codon predicted to result in loss of normal protein function. Loss-of-function is an established mechanism of disease for this gene. This variant has been observed in affected individuals with related phenotype in a genotype context consistent with recessive disease. The variant is present at low frequency in population datasets. Based on the available data, this variant is classified as pathogenic.

NM_004628.5(XPC):c.2275del (p.Val759fs)

Gene: XPC (XPC complex subunit, DNA damage recognition and repair factor; minus strand). Cytogenetic location: 3p25.1.
Variant type: Deletion.
Coding change: c.2275del on transcript NM_004628.5 (MANE Select); coding-DNA position 2275, one base deleted (G; older notation c.2275delG).
Protein change: p.Val759fs; shifts the reading frame from valine 759.
Molecular consequence: frameshift variant. On other transcripts: non-coding transcript variant (2).
Genome position (GRCh38, 1-based): chr3:14,148,707, C deleted on the plus strand (G on the coding strand, the reverse complement: XPC is on the minus strand). VCF-style (leftmost placement, unchanged base first): chr3-14148706-AC-A. GRCh37 (hg19) VCF-style: chr3-14190206-AC-A.
Other names: c.1696del, p.Val566fs (NM_001354726.2); c.2269del, p.Val757fs (NM_001354727.2); c.2257del, p.Val753fs (NM_001354729.2); c.2029del, p.Val677fs (NM_001354730.2); short protein forms V566fs, V677fs, V753fs, V757fs, V759fs.
Identifiers: ClinVar variation 4852009 (VCV004852009.1).
Genomic context (GRCh38, chr3:14,148,706, plus strand): 5'-AGATTGGGCAGGTTCAGCTGGACACAGCCAATAGGCATCATGCTGGGCAGGAAGAGGTAC[AC>A]ATTCCCAAACTCGTTCCGGGGCACCTGTGTCGGGTGAGCAAGTCAGCATTTGGCCAGCAG-3'